The following is an entry in ClinVar:

NM_005477.3(HCN4):c.565A>G (p.Lys189Glu)

Gene: HCN4 (hyperpolarization activated cyclic nucleotide gated potassium channel 4; minus strand). Cytogenetic location: 15q24.1.
Variant type: single nucleotide variant.
Coding change: c.565A>G on transcript NM_005477.3 (MANE Select); coding-DNA position 565, A replaced by G.
Protein change: p.Lys189Glu; replaces lysine 189 with glutamic acid.
Molecular consequence: missense variant.
Genome position (GRCh38, 1-based): chr15:73,367,706, T>C on the plus strand (A>G on the coding strand, the complement: HCN4 is on the minus strand). VCF-style: chr15-73367706-T-C. GRCh37 (hg19) VCF-style: chr15-73660047-T-C.
Other names: short protein forms K189E.
Identifiers: ClinVar variation 2751644 (VCV002751644.3), dbSNP rs2043135147, ClinGen allele CA393097623.

ClinVar aggregate classification (germline): Uncertain significance (1 of 4 stars; one submission).

Conditions:
Brugada syndrome 8 (BRGDA8). Identifiers: Orphanet 130, MedGen C2751083, MONDO:0013148, OMIM 613123.

gnomAD v4.1: 1 of 1,598,788 alleles (0.000063%); highest among the groups gnomAD compares: Non-Finnish European, 0.000085%; no homozygotes.

Submission:

Labcorp Genetics (formerly Invitae), Labcorp
Classification: Uncertain significance for Brugada syndrome 8. Last evaluated: 2023-10-05. Review status: criteria provided, single submitter. Criteria: Invitae Variant Classification Sherloc (09022015). Collection method: clinical testing. Allele origin: germline.
Comment: This sequence change replaces lysine, which is basic and polar, with glutamic acid, which is acidic and polar, at codon 189 of the HCN4 protein (p.Lys189Glu). This variant is not present in population databases (gnomAD no frequency). This variant has not been reported in the literature in individuals affected with HCN4-related conditions. Advanced modeling of protein sequence and biophysical properties (such as structural, functional, and spatial information, amino acid conservation, physicochemical variation, residue mobility, and thermodynamic stability) performed at Invitae indicates that this missense variant is not expected to disrupt HCN4 protein function. In summary, the available evidence is currently insufficient to determine the role of this variant in disease. Therefore, it has been classified as a Variant of Uncertain Significance.